The following is an entry in ClinVar:

ClinVar aggregate classification (germline): Uncertain significance (1 of 4 stars; one submission).

Allele frequency attached by ClinVar (database versions not stated): gnomAD exomes below 0.00001.
gnomAD v4.1: 2 of 1,550,498 alleles (0.00013%); highest among the groups gnomAD compares: South Asian, 0.0024%; no homozygotes.

Submission:

Labcorp Genetics (formerly Invitae), Labcorp
Classification: Uncertain significance. Last evaluated: 2024-10-17. Review status: criteria provided, single submitter. Criteria: Invitae Variant Classification Sherloc (09022015). Collection method: clinical testing. Allele origin: germline.
Comment: This sequence change replaces histidine, which is basic and polar, with arginine, which is basic and polar, at codon 20 of the DCHS1 protein (p.His20Arg). This variant is not present in population databases (gnomAD no frequency). This variant has not been reported in the literature in individuals affected with DCHS1-related conditions. Invitae Evidence Modeling of protein sequence and biophysical properties (such as structural, functional, and spatial information, amino acid conservation, physicochemical variation, residue mobility, and thermodynamic stability) indicates that this missense variant is not expected to disrupt DCHS1 protein function with a negative predictive value of 95%. In summary, the available evidence is currently insufficient to determine the role of this variant in disease. Therefore, it has been classified as a Variant of Uncertain Significance.

NM_003737.4(DCHS1):c.59A>G (p.His20Arg)

Gene: DCHS1 (dachsous cadherin-related 1; minus strand). Cytogenetic location: 11p15.4.
Variant type: single nucleotide variant.
Coding change: c.59A>G on transcript NM_003737.4 (MANE Select); coding-DNA position 59, A replaced by G.
Protein change: p.His20Arg; replaces histidine 20 with arginine.
Molecular consequence: missense variant.
Genome position (GRCh38, 1-based): chr11:6,641,555, T>C on the plus strand (A>G on the coding strand, the complement: DCHS1 is on the minus strand). VCF-style: chr11-6641555-T-C. GRCh37 (hg19) VCF-style: chr11-6662786-T-C.
Other names: short protein forms H20R.
Identifiers: ClinVar variation 2749785 (VCV002749785.3), dbSNP rs1589961252, ClinGen allele CA379444693.
Genomic context (GRCh38, chr11:6,641,555, plus strand): 5'-GCACCTGGCACCCCAGCCCCCAGCAGCAGCAGCAGCAGCAGCAGCAATGGTAGCAGGAGG[T>C]GGGGCCTGGGGCTCTTCATGCCAGGGCAGGAAGGCACAATGCCCAGCTCCTTCTGCATGA-3'
Protein context (NP_003728.1, residues 10-30): SCPGMKSPRP[His20Arg]LLLPLLLLLL